The following is an entry in ClinVar:

NM_014363.6(SACS):c.10724A>T (p.His3575Leu)

Gene: SACS (sacsin molecular chaperone; minus strand). Cytogenetic location: 13q12.12.
Variant type: single nucleotide variant.
Coding change: c.10724A>T on transcript NM_014363.6 (MANE Select); coding-DNA position 10724, A replaced by T.
Protein change: p.His3575Leu; replaces histidine 3575 with leucine.
Molecular consequence: missense variant.
Genome position (GRCh38, 1-based): chr13:23,333,152, T>A on the plus strand (A>T on the coding strand, the complement: SACS is on the minus strand). VCF-style: chr13-23333152-T-A. GRCh37 (hg19) VCF-style: chr13-23907291-T-A.
Other names: c.10283A>T, p.His3428Leu (NM_001278055.2); short protein forms H3575L, H3428L.
Identifiers: ClinVar variation 969206 (VCV000969206.6), dbSNP rs370579192, ClinGen allele CA387511560.

ClinVar aggregate classification (germline): Uncertain significance (1 of 4 stars; one submission).

Conditions:
Spastic paraplegia. Identifiers: MedGen C0037772, HP:0001258.

gnomAD v4.1: 3 of 1,612,196 alleles (0.00019%); highest among the groups gnomAD compares: Non-Finnish European, 0.00025%; no homozygotes.

Submission:

Labcorp Genetics (formerly Invitae), Labcorp
Classification: Uncertain significance for Spastic paraplegia. Last evaluated: 2021-08-13. Review status: criteria provided, single submitter. Criteria: Invitae Variant Classification Sherloc (09022015). Collection method: clinical testing. Allele origin: germline.
Comment: This sequence change replaces histidine with leucine at codon 3575 of the SACS protein (p.His3575Leu). The histidine residue is weakly conserved and there is a moderate physicochemical difference between histidine and leucine. This variant is not present in population databases (ExAC no frequency). This variant has not been reported in the literature in individuals affected with SACS-related conditions. Algorithms developed to predict the effect of missense changes on protein structure and function (SIFT, PolyPhen-2, Align-GVGD) all suggest that this variant is likely to be tolerated. In summary, the available evidence is currently insufficient to determine the role of this variant in disease. Therefore, it has been classified as a Variant of Uncertain Significance.